The following is an entry in ClinVar:

NM_032043.3(BRIP1):c.1102C>T (p.Pro368Ser)

Gene: BRIP1 (BRCA1 interacting DNA helicase 1; minus strand). Cytogenetic location: 17q23.2.
Variant type: single nucleotide variant.
Coding change: c.1102C>T on transcript NM_032043.3 (MANE Select); coding-DNA position 1102, C replaced by T.
Protein change: p.Pro368Ser; replaces proline 368 with serine.
Molecular consequence: missense variant.
Genome position (GRCh38, 1-based): chr17:61,801,291, G>A on the plus strand (C>T on the coding strand, the complement: BRIP1 is on the minus strand). VCF-style: chr17-61801291-G-A. GRCh37 (hg19) VCF-style: chr17-59878652-G-A.
Other names: short protein forms P368S.
Identifiers: ClinVar variation 461059 (VCV000461059.13), dbSNP rs1555607669, ClinGen allele CA400483925.

ClinVar aggregate classification (germline): Uncertain significance. Review status: criteria provided, multiple submitters, no conflicts (2 of 4 stars). 2 submissions from 2 submitters: Uncertain significance (2). Last evaluated 2023-01-11.

Conditions:
Hereditary cancer-predisposing syndrome. Also called: Hereditary neoplastic syndrome; Neoplastic Syndromes, Hereditary; Tumor predisposition; Hereditary Cancer Syndrome. Identifiers: Orphanet 140162, MedGen C0027672, MeSH D009386, MONDO:0015356.
Fanconi anemia complementation group J. Also called: BRIP1-Related Fanconi Anemia. Identifiers: Orphanet 84, MedGen C1836860, MONDO:0012187, OMIM 609054.
Familial cancer of breast. Also called: BREAST CANCER, FAMILIAL; hereditary breast carcinoma; Hereditary breast cancer. Identifiers: Orphanet 227535, MedGen C0346153, MONDO:0016419, OMIM 114480. Disease mechanism: loss of function.

Submissions (2):

Ambry Genetics
Classification: Uncertain significance for Hereditary cancer-predisposing syndrome. Last evaluated: 2023-01-11. Review status: criteria provided, single submitter. Criteria: Ambry Variant Classification Scheme 2023. Collection method: clinical testing. Allele origin: germline.
Comment: The p.P368S variant (also known as c.1102C>T), located in coding exon 7 of the BRIP1 gene, results from a C to T substitution at nucleotide position 1102. The proline at codon 368 is replaced by serine, an amino acid with similar properties. This amino acid position is highly conserved in available vertebrate species. In addition, this alteration is predicted to be deleterious by in silico analysis. Since supporting evidence is limited at this time, the clinical significance of this alteration remains unclear.

Labcorp Genetics (formerly Invitae), Labcorp
Classification: Uncertain significance for Familial cancer of breast; Fanconi anemia complementation group J. Last evaluated: 2019-10-19. Review status: criteria provided, single submitter. Criteria: Invitae Variant Classification Sherloc (09022015). Collection method: clinical testing. Allele origin: germline.
Comment: In summary, the available evidence is currently insufficient to determine the role of this variant in disease. Therefore, it has been classified as a Variant of Uncertain Significance. Algorithms developed to predict the effect of missense changes on protein structure and function (SIFT, PolyPhen-2, Align-GVGD) all suggest that this variant is likely to be disruptive, but these predictions have not been confirmed by published functional studies and their clinical significance is uncertain. This variant has not been reported in the literature in individuals with BRIP1-related disease. This variant is not present in population databases (ExAC no frequency). This sequence change replaces proline with serine at codon 368 of the BRIP1 protein (p.Pro368Ser). The proline residue is highly conserved and there is a moderate physicochemical difference between proline and serine.